The following is an entry in ClinVar:

NM_006946.4(SPTBN2):c.2476C>T (p.Arg826Trp)

Gene: SPTBN2 (spectrin beta, non-erythrocytic 2; minus strand). Cytogenetic location: 11q13.2.
Variant type: single nucleotide variant.
Coding change: c.2476C>T on transcript NM_006946.4 (MANE Select); coding-DNA position 2476, C replaced by T.
Protein change: p.Arg826Trp; replaces arginine 826 with tryptophan.
Molecular consequence: missense variant.
Genome position (GRCh38, 1-based): chr11:66,704,800, G>A on the plus strand (C>T on the coding strand, the complement: SPTBN2 is on the minus strand). VCF-style: chr11-66704800-G-A. GRCh37 (hg19) VCF-style: chr11-66472271-G-A.
Other names: c.2497C>T, p.Arg833Trp (NM_001411025.1); c.2476C>T, p.Arg826Trp (NM_001437541.1); short protein forms R826W, R833W.
Identifiers: ClinVar variation 4279531 (VCV004279531.1).

ClinVar aggregate classification (germline): Uncertain significance (1 of 4 stars; one submission).

Conditions:
Spinocerebellar ataxia type 5 (SCA5). Identifiers: Orphanet 98766, MedGen C0752123, MONDO:0010848, OMIM 600224.

gnomAD v4.1: 8 of 1,604,710 alleles (0.0005%); highest among the groups gnomAD compares: African/African-American, 0.0013%; no homozygotes.

Submission:

Department of Paediatrics at Addenbrookes, Cambridge University Hospitals NHS Foundation Trust (UK)
Classification: Uncertain significance for Spinocerebellar ataxia type 5. Last evaluated: 2025-05-27. Review status: criteria provided, single submitter. Criteria: Durkie Uk Practice Guidelines For Variant Classification V12 2024 (1). Collection method: clinical testing. Allele origin: unknown.
Comment: PM2_Moderate